The following is an entry in ClinVar:

NM_138422.4(ADAT3):c.165C>T (p.Asp55=)

Genes: ADAT3 (adenosine deaminase tRNA specific 3; plus strand), SCAMP4 (secretory carrier membrane protein 4; plus strand). Cytogenetic location: 19p13.3.
Variant type: single nucleotide variant.
Coding change: c.165C>T on transcript NM_138422.4 (MANE Select); coding-DNA position 165, C replaced by T.
Protein change: p.Asp55=; no amino-acid change (aspartic acid 55 retained).
Molecular consequence: synonymous variant. On other transcripts: intron variant (3).
Genome position (GRCh38, 1-based): chr19:1,912,212, C>T. VCF-style: chr19-1912212-C-T. GRCh37 (hg19) VCF-style: chr19-1912211-C-T.
Other names: c.117C>T, p.Asp39= (NM_001329533.2); c.-41-2767C>T (NM_079834.4, NM_001329540.2); c.-125-5482C>T (NM_001329539.2).
Identifiers: ClinVar variation 3389280 (VCV003389280.14).

ClinVar aggregate classification (germline): Likely benign (1 of 4 stars; one submission).

gnomAD v4.1: 12 of 1,592,034 alleles (0.00075%); highest among the groups gnomAD compares: Non-Finnish European, 0.00068%; no homozygotes.

Submission:

CeGaT Center for Human Genetics Tuebingen
Classification: Likely benign. Last evaluated: 2024-09-01. Review status: criteria provided, single submitter. Criteria: CeGaT Center For Human Genetics Tuebingen Variant Classification Criteria Version 2. Collection method: clinical testing. Allele origin: germline. Affected: yes. Observed: 1 variant allele.
Comment: ADAT3: BP4, BP7